The following is an entry in ClinVar:

NM_001134363.3(RBM20):c.2843G>T (p.Cys948Phe)

Gene: RBM20 (RNA binding motif protein 20; plus strand). Cytogenetic location: 10q25.2.
Variant type: single nucleotide variant.
Coding change: c.2843G>T on transcript NM_001134363.3 (MANE Select); coding-DNA position 2843, G replaced by T.
Protein change: p.Cys948Phe; replaces cysteine 948 with phenylalanine.
Molecular consequence: missense variant.
Genome position (GRCh38, 1-based): chr10:110,821,462, G>T. VCF-style: chr10-110821462-G-T. GRCh37 (hg19) VCF-style: chr10-112581220-G-T.
Other names: short protein forms C948F.
Identifiers: ClinVar variation 4809018 (VCV004809018.1).
Genomic context (GRCh38, chr10:110,821,462, plus strand): 5'-AGCTGGAAGAAATTGTGCCCATTGACCAGAAAGACAAAATTTGCCCAGAAACATGTCTGT[G>T]TGTGACAACCACCTTAGACTTAGACCTGGCCCAGGATTTCCCCAAGGAAGGAGTCAAGGC-3'
Protein context (NP_001127835.2, residues 938-958): KDKICPETCL[Cys948Phe]VTTTLDLDLA

ClinVar aggregate classification (germline): Uncertain significance (1 of 4 stars; one submission).

Conditions:
Dilated cardiomyopathy 1DD (CMD1DD). Identifiers: Orphanet 154, MedGen C2750995, MONDO:0013168, OMIM 613172.

Submission:

Labcorp Genetics (formerly Invitae), Labcorp
Classification: Uncertain significance for Dilated cardiomyopathy 1DD. Last evaluated: 2025-08-24. Review status: criteria provided, single submitter. Criteria: Invitae Variant Classification Sherloc (09022015). Collection method: clinical testing. Allele origin: germline.
Comment: This sequence change replaces cysteine, which is neutral and slightly polar, with phenylalanine, which is neutral and non-polar, at codon 948 of the RBM20 protein (p.Cys948Phe). This variant is not present in population databases (gnomAD no frequency). This variant has not been reported in the literature in individuals affected with RBM20-related conditions. Invitae Evidence Modeling of protein sequence and biophysical properties (such as structural, functional, and spatial information, amino acid conservation, physicochemical variation, residue mobility, and thermodynamic stability) indicates that this missense variant is not expected to disrupt RBM20 protein function with a negative predictive value of 95%. In summary, the available evidence is currently insufficient to determine the role of this variant in disease. Therefore, it has been classified as a Variant of Uncertain Significance.